The following is an entry in ClinVar:

ClinVar aggregate classification (germline): Likely pathogenic. Review status: criteria provided, single submitter (1 of 4 stars). 2 submissions from 2 submitters: Likely pathogenic (1). 1 of the submissions does not count toward it. Last evaluated 2024-09-11.

Conditions:
PHKA2-related disorder. Also called: PHKA2-related condition.

Submissions (2):

Blueprint Genetics
Classification: Likely pathogenic for PHKA2-related disorders. Last evaluated: 2024-09-11. Review status: criteria provided, single submitter. Criteria: ACMG Guidelines, 2015. Collection method: clinical testing. Allele origin: germline. Affected: yes. Observed: 1 variant allele.

PreventionGenetics, part of Exact Sciences
Classification: Pathogenic for PHKA2-related condition. Last evaluated: 2024-06-27. Review status: no assertion criteria provided. Collection method: clinical testing. Allele origin: germline. Not counted in ClinVar's aggregate classification.
Comment: The PHKA2 c.1333_1336delinsCACAGTTCTTGTTCA variant is predicted to result in a frameshift and premature protein termination (p.Leu445Hisfs*15). To our knowledge, this variant has not been reported in the literature or in a large population database, indicating this variant is rare. Frameshift variants in PHKA2 are expected to be pathogenic. This variant is interpreted as pathogenic.

NM_000292.3(PHKA2):c.1333_1336delinsCACAGTTCTTGTTCA (p.Leu445fs)

Gene: PHKA2 (phosphorylase kinase regulatory subunit alpha 2; minus strand). Cytogenetic location: Xp22.13.
Variant type: Indel.
Coding change: c.1333_1336delinsCACAGTTCTTGTTCA on transcript NM_000292.3 (MANE Select); coding-DNA positions 1333 to 1336, TTGG replaced by CACAGTTCTTGTTCA.
Protein change: p.Leu445fs; shifts the reading frame from leucine 445.
Molecular consequence: frameshift variant.
Genome position (GRCh38, 1-based): chrX:18,926,576-18,926,579, CCAA replaced by TGAACAAGAACTGTG on the plus strand (TTGG replaced by CACAGTTCTTGTTCA on the coding strand, the reverse complement: PHKA2 is on the minus strand). VCF-style: chrX-18926576-CCAA-TGAACAAGAACTGTG. GRCh37 (hg19) VCF-style: chrX-18944694-CCAA-TGAACAAGAACTGTG.
Other names: short protein forms L445fs.
Identifiers: ClinVar variation 3356635 (VCV003356635.2).